The following is an entry in ClinVar:

ClinVar aggregate classification (germline): Uncertain significance (1 of 4 stars; one submission).

Conditions:
Autosomal recessive limb-girdle muscular dystrophy type 2J (LGMDR10). Also called: Limb-girdle muscular dystrophy, type 2J; MUSCULAR DYSTROPHY, LIMB-GIRDLE, AUTOSOMAL RECESSIVE 10. Identifiers: Orphanet 140922, MedGen C1837342, MONDO:0012127, OMIM 608807.
Dilated cardiomyopathy 1G (CMD1G). Identifiers: Orphanet 154, MedGen C1858763, MONDO:0011400, OMIM 604145.

gnomAD v4.1: 1 of 1,613,922 alleles (0.000062%); highest among the groups gnomAD compares: Non-Finnish European, 0.000085%; no homozygotes.

Submission:

Labcorp Genetics (formerly Invitae), Labcorp
Classification: Uncertain significance for Dilated cardiomyopathy 1G; Autosomal recessive limb-girdle muscular dystrophy type 2J. Last evaluated: 2024-07-30. Review status: criteria provided, single submitter. Criteria: Invitae Variant Classification Sherloc (09022015). Collection method: clinical testing. Allele origin: germline.
Comment: This sequence change replaces glycine, which is neutral and non-polar, with arginine, which is basic and polar, at codon 35208 of the TTN protein (p.Gly35208Arg). This variant is not present in population databases (gnomAD no frequency). This variant has not been reported in the literature in individuals affected with TTN-related conditions. Experimental studies and prediction algorithms are not available or were not evaluated, and the functional significance of this variant is currently unknown. This variant is located in the M band of TTN (PMID: 25589632). Non-truncating variants in this region may be relevant for neuromuscular disorders, but have not been definitively shown to cause cardiomyopathy (PMID: 23975875). In summary, the available evidence is currently insufficient to determine the role of this variant in disease. Therefore, it has been classified as a Variant of Uncertain Significance.

Literature cited by the submitters: PubMed 25589632; PubMed 23975875.

NM_001267550.2(TTN):c.105622G>A (p.Gly35208Arg)

Genes: TTN-AS1 (TTN antisense RNA 1; plus strand), TTN (titin; minus strand), LOC129935183 (ATAC-STARR-seq lymphoblastoid active region 16808; plus strand). Cytogenetic location: 2q31.2.
Variant type: single nucleotide variant.
Coding change: c.105622G>A on transcript NM_001267550.2 (MANE Select); coding-DNA position 105622, G replaced by A.
Protein change: p.Gly35208Arg; replaces glycine 35208 with arginine.
Molecular consequence: missense variant.
Genome position (GRCh38, 1-based): chr2:178,530,993, C>T on the plus strand (G>A on the coding strand, the complement: TTN is on the minus strand). VCF-style: chr2-178530993-C-T. GRCh37 (hg19) VCF-style: chr2-179395720-C-T.
Other names: c.100699G>A, p.Gly33567Arg (NM_001256850.1); c.78427G>A, p.Gly26143Arg (NM_003319.4); c.97918G>A, p.Gly32640Arg (NM_133378.4); c.78802G>A, p.Gly26268Arg (NM_133432.3); c.79003G>A, p.Gly26335Arg (NM_133437.4); short protein forms G26143R, G26268R, G26335R, G32640R, G33567R, G35208R.
Identifiers: ClinVar variation 3763416 (VCV003763416.2).